The following is an entry in ClinVar:

ClinVar aggregate classification (germline): Likely benign. Review status: criteria provided, multiple submitters, no conflicts (2 of 4 stars). 2 submissions from 2 submitters: Likely benign (2). Last evaluated 2025-08-20.

Conditions:
Familial cancer of breast. Also called: BREAST CANCER, FAMILIAL; hereditary breast carcinoma; Hereditary breast cancer. Identifiers: Orphanet 227535, MedGen C0346153, MONDO:0016419, OMIM 114480. Disease mechanism: loss of function.

Allele frequency attached by ClinVar (database versions not stated): gnomAD exomes below 0.00001.
gnomAD v4.1: 4 of 1,572,382 alleles (0.00025%); highest among the groups gnomAD compares: Non-Finnish European, 0.00035%; no homozygotes.

Submissions (2):

Labcorp Genetics (formerly Invitae), Labcorp
Classification: Likely benign for Familial cancer of breast. Last evaluated: 2025-08-20. Review status: criteria provided, single submitter. Criteria: Invitae Variant Classification Sherloc (09022015). Collection method: clinical testing. Allele origin: germline.

Myriad Genetics, Inc.
Classification: Likely benign for Familial cancer of breast. Last evaluated: 2024-10-03. Review status: criteria provided, single submitter. Criteria: Myriad Autosomal Dominant, Autosomal Recessive and X-Linked Classification Criteria (2023). Collection method: clinical testing. Allele origin: unknown.
Comment: This variant is considered likely benign. This variant is intronic and is not expected to impact mRNA splicing.

NM_007194.4(CHEK2):c.909-20G>A

Gene: CHEK2 (checkpoint kinase 2; minus strand). Cytogenetic location: 22q12.1.
Variant type: single nucleotide variant.
Coding change: c.909-20G>A on transcript NM_007194.4 (MANE Select); 20 bases into the intron before coding-DNA position 909, G replaced by A.
Molecular consequence: intron variant.
Genome position (GRCh38, 1-based): chr22:28,699,957, C>T on the plus strand (G>A on the coding strand, the complement: CHEK2 is on the minus strand). VCF-style: chr22-28699957-C-T. GRCh37 (hg19) VCF-style: chr22-29095945-C-T.
Other names: c.246-20G>A (NM_001437942.1, NM_001257387.3); c.708-20G>A (NM_001349956.3); c.909-20G>A (NM_145862.3); c.1002-20G>A (NM_001438295.1, NM_001438293.1); c.1038-20G>A (NM_001438294.1, NM_001005735.3).
Identifiers: ClinVar variation 1581778 (VCV001581778.10), dbSNP rs2145845675, ClinGen allele CA2573158034.
Genomic context (GRCh38, chr22:28,699,957, plus strand): 5'-TATTCCCCACCACTTTGTCAAACAGCTCTCCCCCTTCCATCCTGAAACACAAAGGCAAGG[C>T]AAGGGGTTCATTCCTGGGGGAAAACGCACTTGGACAGAAGACAATAAAACAACAAAACAA-3'